The following is an entry in ClinVar:

ClinVar aggregate classification (germline): Uncertain significance (1 of 4 stars; one submission).

Allele frequency attached by ClinVar (database versions not stated): TOPMed below 0.00001.

Submission:

GeneDx
Classification: Uncertain significance. Last evaluated: 2021-08-16. Review status: criteria provided, single submitter. Criteria: GeneDx Variant Classification Process June 2021. Collection method: clinical testing. Allele origin: germline. Affected: yes.
Comment: In silico analysis supports that this missense variant has a deleterious effect on protein structure/function; Has not been previously published as pathogenic or benign to our knowledge

NM_001844.5(COL2A1):c.3358G>A (p.Glu1120Lys)

Gene: COL2A1 (collagen type II alpha 1 chain; minus strand). Cytogenetic location: 12q13.11.
Variant type: single nucleotide variant.
Coding change: c.3358G>A on transcript NM_001844.5 (MANE Select); coding-DNA position 3358, G replaced by A.
Protein change: p.Glu1120Lys; replaces glutamic acid 1120 with lysine.
Molecular consequence: missense variant.
Genome position (GRCh38, 1-based): chr12:47,976,889, C>T on the plus strand (G>A on the coding strand, the complement: COL2A1 is on the minus strand). VCF-style: chr12-47976889-C-T. GRCh37 (hg19) VCF-style: chr12-48370672-C-T.
Other names: c.3151G>A, p.Glu1051Lys (NM_033150.3); short protein forms E1051K, E1120K.
Identifiers: ClinVar variation 1342108 (VCV001342108.2), dbSNP rs1170064048, ClinGen allele CA384539052.
Genomic context (GRCh38, chr12:47,976,889, plus strand): 5'-CCTGCAGACCAGTGAAGCCACGGTGTCCCTTCAGGCCTCTCTCGCCAGGCTCTCCAGCCT[C>T]TCCTTTGTCACCTCTGGGGCCTTGAGGACCCTGGGAACAAGACAGACACCGATTGAGTCA-3'
Protein context (NP_001835.3, residues 1110-1130): GPQGPRGDKG[Glu1120Lys]AGEPGERGLK